The following is an entry in ClinVar:

NM_006790.3(MYOT):c.618T>C (p.Gly206=)

Genes: MYOT (myotilin; plus strand), PKD2L2-DT (PKD2L2 divergent transcript; minus strand). Cytogenetic location: 5q31.2.
Variant type: single nucleotide variant.
Coding change: c.618T>C on transcript NM_006790.3 (MANE Select); coding-DNA position 618, T replaced by C.
Protein change: p.Gly206=; no amino-acid change (glycine 206 retained).
Molecular consequence: synonymous variant.
Genome position (GRCh38, 1-based): chr5:137,877,606, T>C. VCF-style: chr5-137877606-T-C. GRCh37 (hg19) VCF-style: chr5-137213295-T-C.
Other names: c.66T>C, p.Gly22= (NM_001135940.2); c.273T>C, p.Gly91= (NM_001300911.2).
Identifiers: ClinVar variation 1674276 (VCV001674276.15), dbSNP rs1477979641, ClinGen allele CA446555259.

ClinVar aggregate classification (germline): Likely benign. Review status: criteria provided, multiple submitters, no conflicts (2 of 4 stars). 2 submissions from 2 submitters: Likely benign (2). Last evaluated 2025-12-30.

Conditions:
Myofibrillar myopathy 3 (MFM3). Also called: Autosomal dominant spheroid body myopathy; Muscular dystrophy, proximal, type 1A. Identifiers: Orphanet 266, Orphanet 268129, MedGen C3714934, MONDO:0012215, OMIM 609200.

Allele frequency attached by ClinVar (database versions not stated): gnomAD 0.00001; gnomAD exomes 0.00001; TOPMed 0.00002.

Submissions (2):

Labcorp Genetics (formerly Invitae), Labcorp
Classification: Likely benign for Myofibrillar myopathy 3. Last evaluated: 2025-12-30. Review status: criteria provided, single submitter. Criteria: Invitae Variant Classification Sherloc (09022015). Collection method: clinical testing. Allele origin: germline.

CeGaT Center for Human Genetics Tuebingen
Classification: Likely benign. Last evaluated: 2025-09-01. Review status: criteria provided, single submitter. Criteria: CeGaT Center For Human Genetics Tuebingen Variant Classification Criteria Version 2. Collection method: clinical testing. Allele origin: germline. Affected: yes. Observed: 1 variant allele.
Comment: MYOT: BP4, BP7